The following is an entry in ClinVar:

NM_005198.5(CHKB):c.214T>C (p.Tyr72His)

Genes: CHKB (choline kinase beta; minus strand), CHKB-CPT1B (CHKB-CPT1B readthrough (NMD candidate); minus strand). Cytogenetic location: 22q13.33.
Variant type: single nucleotide variant.
Coding change: c.214T>C on transcript NM_005198.5 (MANE Select); coding-DNA position 214, T replaced by C.
Protein change: p.Tyr72His; replaces tyrosine 72 with histidine.
Molecular consequence: missense variant. On other transcripts: non-coding transcript variant (1).
Genome position (GRCh38, 1-based): chr22:50,582,568, A>G on the plus strand (T>C on the coding strand, the complement: CHKB is on the minus strand). VCF-style: chr22-50582568-A-G. GRCh37 (hg19) VCF-style: chr22-51020997-A-G.
Other names: short protein forms Y72H.
Identifiers: ClinVar variation 646146 (VCV000646146.11), dbSNP rs747691808, ClinGen allele CA10323884.
Genomic context (GRCh38, chr22:50,582,568, plus strand): 5'-ACCCCTGACCCCGATCCGCGCACCGGAGAGGCTGACCCCTGACCTCCCACCTCACGGGGT[A>G]AACCCTCAGCTCCTCGGGCTGCACTCGGCGCCAGGCCCCGCCCAAGTACTCCCGGCACCA-3'
Protein context (NP_005189.2, residues 62-82): RRVQPEELRV[Tyr72His]PVSGGLSNLL

ClinVar aggregate classification (germline): Uncertain significance. Review status: criteria provided, multiple submitters, no conflicts (2 of 4 stars). 3 submissions from 3 submitters: Uncertain significance (3). Last evaluated 2024-06-17.

Conditions:
Megaconial type congenital muscular dystrophy (MDCMC). Also called: CHKB-Related Muscular Dystrophy; CHKB-Related Muscle Diseases; MUSCULAR DYSTROPHY, CONGENITAL, WITH MITOCHONDRIAL STRUCTURAL ABNORMALITIES. Identifiers: Orphanet 280671, MedGen C1865233, MONDO:0011246, OMIM 602541.
Inborn genetic diseases. Identifiers: MedGen C0950123, MeSH D030342.

Allele frequency attached by ClinVar (database versions not stated): ExAC 0.00001; gnomAD exomes 0.00001 and 0.00004; TOPMed 0.00002; gnomAD 0.00003.

Submissions (3):

Ambry Genetics
Classification: Uncertain significance for Inborn genetic diseases. Last evaluated: 2024-06-17. Review status: criteria provided, single submitter. Criteria: Ambry Variant Classification Scheme 2023. Collection method: clinical testing. Allele origin: germline.

Labcorp Genetics (formerly Invitae), Labcorp
Classification: Uncertain significance for Megaconial type congenital muscular dystrophy. Last evaluated: 2024-06-10. Review status: criteria provided, single submitter. Criteria: Invitae Variant Classification Sherloc (09022015). Collection method: clinical testing. Allele origin: germline.
Comment: This sequence change replaces tyrosine, which is neutral and polar, with histidine, which is basic and polar, at codon 72 of the CHKB protein (p.Tyr72His). The frequency data for this variant in the population databases is considered unreliable, as metrics indicate poor data quality at this position in the gnomAD database. This variant has not been reported in the literature in individuals affected with CHKB-related conditions. ClinVar contains an entry for this variant (Variation ID: 646146). Advanced modeling of protein sequence and biophysical properties (such as structural, functional, and spatial information, amino acid conservation, physicochemical variation, residue mobility, and thermodynamic stability) performed at Invitae indicates that this missense variant is not expected to disrupt CHKB protein function with a negative predictive value of 80%. In summary, the available evidence is currently insufficient to determine the role of this variant in disease. Therefore, it has been classified as a Variant of Uncertain Significance.

Illumina Laboratory Services, Illumina
Classification: Uncertain significance for Megaconial type congenital muscular dystrophy. Last evaluated: 2018-01-13. Review status: criteria provided, single submitter. Criteria: ICSL Variant Classification Criteria 13 December 2019. Collection method: clinical testing. Allele origin: germline.